The following is an entry in ClinVar:

ClinVar aggregate classification (germline): Uncertain significance (1 of 4 stars; one submission).

Conditions:
Tolchin-Le Caignec syndrome. Also called: INTELLECTUAL DEVELOPMENTAL DISORDER WITH BEHAVIORAL ABNORMALITIES AND VARIABLE BONE DEFECTS. Identifiers: MedGen C5436509, MONDO:0033544, OMIM 618971.

gnomAD v4.1: 3 of 1,612,336 alleles (0.00019%); highest among the groups gnomAD compares: Admixed American, 0.0033%; no homozygotes.

Submission:

Neuberg Centre For Genomic Medicine, NCGM
Classification: Uncertain significance for Tolchin-Le Caignec syndrome. Last evaluated: 2024-02-01. Review status: criteria provided, single submitter. Criteria: ACMG Guidelines, 2015. Collection method: clinical testing. Allele origin: germline. Inheritance: Autosomal dominant inheritance.
Comment: The missense variant has not been reported previously as a pathogenic variant nor as a benign variant, to our knowledge.

NM_001367873.1(SOX6):c.1727C>T (p.Ala576Val)

Gene: SOX6 (SRY-box transcription factor 6; minus strand). Cytogenetic location: 11p15.2.
Variant type: single nucleotide variant.
Coding change: c.1727C>T on transcript NM_001367873.1 (MANE Select); coding-DNA position 1727, C replaced by T.
Protein change: p.Ala576Val; replaces alanine 576 with valine.
Molecular consequence: missense variant.
Genome position (GRCh38, 1-based): chr11:16,014,947, G>A on the plus strand (C>T on the coding strand, the complement: SOX6 is on the minus strand). VCF-style: chr11-16014947-G-A. GRCh37 (hg19) VCF-style: chr11-16036493-G-A.
Other names: c.1646C>T, p.Ala549Val (NM_001145811.2, NM_017508.3); c.1727C>T, p.Ala576Val (NM_001145819.2, NM_033326.3); c.1604C>T, p.Ala535Val (NM_001367872.1); short protein forms A535V, A549V, A576V.
Identifiers: ClinVar variation 3897972 (VCV003897972.1).